The following is an entry in ClinVar:

NM_000257.4(MYH7):c.5647G>A (p.Glu1883Lys)

Gene: MYH7 (myosin heavy chain 7; minus strand). Cytogenetic location: 14q11.2.
Variant type: single nucleotide variant.
Coding change: c.5647G>A on transcript NM_000257.4 (MANE Select); coding-DNA position 5647, G replaced by A.
Protein change: p.Glu1883Lys; replaces glutamic acid 1883 with lysine.
Molecular consequence: missense variant.
Genome position (GRCh38, 1-based): chr14:23,414,015, C>T on the plus strand (G>A on the coding strand, the complement: MYH7 is on the minus strand). VCF-style: chr14-23414015-C-T. GRCh37 (hg19) VCF-style: chr14-23883224-C-T.
Other names: p.E1883K:GAG>AAG; NM_000257.4(MYH7):c.5647G>A; short protein forms E1883K.
Identifiers: ClinVar variation 14121 (VCV000014121.18), dbSNP rs121913652, ClinGen allele CA016328.

ClinVar aggregate classification (germline): Uncertain significance. Review status: reviewed by expert panel (3 of 4 stars). 10 submissions from 10 submitters: Uncertain significance (1). 9 of the submissions do not count toward it. Last evaluated 2021-07-26.

Conditions:
MYH7-related disorder. Also called: MYH7-related condition; MYH7-related disease; MYH7-related disorders.
Myopathy, myosin storage, autosomal recessive (CMYO7B). Also called: CONGENITAL MYOPATHY 7B, MYOSIN STORAGE, AUTOSOMAL RECESSIVE. Identifiers: Orphanet 636970, MedGen C1850709, MONDO:0009708, OMIM 255160.
Cardiomyopathy (CMYO). Also called: Cardiomyopathies. Identifiers: Orphanet 167848, MedGen C0878544, MONDO:0004994, HP:0001638. Inheritance: Various modes of inheritance.
MYH7-related skeletal myopathy. Also called: Laing distal myopathy; Laing early-onset distal myopathy; Myopathy, distal, 1; MYOPATHY, DISTAL, EARLY-ONSET, AUTOSOMAL DOMINANT; MYOPATHY, LATE DISTAL HEREDITARY. Identifiers: Orphanet 59135, MedGen C4552004, MONDO:0008050, OMIM 160500.
Dilated cardiomyopathy 1S (CMD1S). Identifiers: Orphanet 154, Orphanet 54260, MedGen C1834481, MONDO:0013262, OMIM 613426.
Myosin storage myopathy (CMYO7A). Also called: SCAPULOPERONEAL MUSCULAR DYSTROPHY; SCAPULOPERONEAL SYNDROME, MYOPATHIC TYPE; MYOPATHY WITH LYSIS OF TYPE I MYOFIBRILS; MYH7-related late-onset scapuloperoneal muscular dystrophy; Congenital myopathy 7A, myosin storage, autosomal dominant; MYOPATHY, HYALINE BODY, AUTOSOMAL DOMINANT. Identifiers: Orphanet 437572, Orphanet 636965, MedGen C1842160, MONDO:0008409, OMIM 608358.
Hypertrophic cardiomyopathy 1 (CMH1). Also called: MYH7-Related Familial Hypertrophic Cardiomyopathy; Familial hypertrophic cardiomyopathy 1. Identifiers: MedGen C3495498, MONDO:0008647, OMIM 192600.
Congenital myopathy with fiber type disproportion. Also called: Congenital fiber-type disproportion; Congenital fiber-type disproportion myopathy. Identifiers: Orphanet 2020, MedGen C0546264, MONDO:0009711. Inheritance: all.
Hypertrophic cardiomyopathy. Also called: HYPERTROPHIC MYOCARDIOPATHY. Identifiers: Orphanet 217569, MedGen C0007194, MeSH D002312, MONDO:0005045, HP:0001639.

Allele frequency attached by ClinVar (database versions not stated): gnomAD exomes below 0.00001; gnomAD 0.00001; TOPMed 0.00001.

Submissions (10):

ClinGen Cardiomyopathy Variant Curation Expert Panel
Classification: Uncertain significance for Hypertrophic cardiomyopathy. Last evaluated: 2021-07-26. Review status: reviewed by expert panel. Criteria: ClinGen CMP ACMG Specifications v1. Collection method: curation. Allele origin: germline. Inheritance: Autosomal dominant inheritance.
Comment: This variant has been identified in 0.01% (1/18716) of African/African American chromosomes by gnomAD v2.1.1, but absent from all other populations (PM2). In vitro functional studies provide conflicting evidence on the impact of this on protein function, with some suggesting a potential impact (Viswanathan 2017 PMID: 28973424; Armel 2009 PMID: 19336582), while another suggests that it has a similar function as its wild time counterpart (Dahl-Halvarsson PMID 28125727). Therefore, this data is currently insufficient to establish functional impact and apply PS3. Computational prediction tools and conservation analysis suggest that this variant may impact the protein (PP3). In summary, due to insufficient evidence, this variant is classified as uncertain significance for hypertrophic cardiomyopathy in an autosomal dominant manner. MYH7-specific ACMG/AMP criteria applied (Kelly 2018 PMID:29300372): PS4_Supporting, PM2, PP3.

Labcorp Genetics (formerly Invitae), Labcorp
Classification: Uncertain significance for Hypertrophic cardiomyopathy. Last evaluated: 2025-08-29. Review status: criteria provided, single submitter. Criteria: Invitae Variant Classification Sherloc (09022015). Collection method: clinical testing. Allele origin: germline. Not counted in ClinVar's aggregate classification.
Comment: This sequence change replaces glutamic acid, which is acidic and polar, with lysine, which is basic and polar, at codon 1883 of the MYH7 protein (p.Glu1883Lys). This variant is present in population databases (rs121913652, gnomAD 0.01%). This missense change has been observed in individual(s) with myosin storage myopathy and hypertrophic cardiomyopathy (PMID: 17372140, 27532257, 37652022). ClinVar contains an entry for this variant (Variation ID: 14121). Invitae Evidence Modeling of protein sequence and biophysical properties (such as structural, functional, and spatial information, amino acid conservation, physicochemical variation, residue mobility, and thermodynamic stability) indicates that this missense variant is expected to disrupt MYH7 protein function with a positive predictive value of 95%. Experimental studies are conflicting or provide insufficient evidence to determine the effect of this variant on MYH7 function (PMID: 28125727, 28973424). In summary, the available evidence is currently insufficient to determine the role of this variant in disease. Therefore, it has been classified as a Variant of Uncertain Significance.

Color Diagnostics, LLC DBA Color Health
Classification: Uncertain significance for Cardiomyopathy. Last evaluated: 2025-06-02. Review status: criteria provided, single submitter. Criteria: ACMG Guidelines, 2015. Collection method: clinical testing. Allele origin: germline. Not counted in ClinVar's aggregate classification.
Comment: This missense variant replaces glutamic acid with lysine at codon 1883 of the MYH7 protein. Computational prediction suggests that this variant may have a deleterious impact on protein structure and function. A functional study using Drosophila showed that this variant may cause aberrant sarcomeric organization and filament morphology (PMID: 28973424), while another functional study also demonstrated abnormal filament formation in vitro (PMID: 19336582). A different functional study in C. elegans showed activity of this variant similar to that of wild-type (PMID: 28125727). This variant has been reported in individuals affected with hypertrophic cardiomyopathy (PMID: 27532257ClinVar SCV000206410.4 and SCV000208809.10). It has also been identified in the homozygous state in an individual affected with myosin storage myopathy and hypertrophic cardiomyopathyboth heterozygous parents were clinically unaffected (PMID: 17372140). This variant has been identified in 1/31396 chromosomes in the general population by the Genome Aggregation Database (gnomAD). The available evidence is insufficient to determine the role of this variant in disease conclusively. Therefore, this variant is classified as a Variant of Uncertain Significance.

Clinical Genomics Laboratory, Stanford Medicine
Classification: Uncertain significance for Cardiomyopathy. Last evaluated: 2022-12-05. Review status: criteria provided, single submitter. Criteria: ACMG Guidelines, 2015. Collection method: clinical testing. Allele origin: germline. Affected: yes. Observed: 1 variant allele, 1 heterozygote. Not counted in ClinVar's aggregate classification.
Comment: The p.Glu1883Lys variant in the MYH7 gene has been previously reported in the heterozygous state in at least 2 unrelated individuals with cardiomyopathy and in the homozygous state in an individual with myosin storage myopathy and cardiomyopathy (Homburger et al., 2016; Walsh et al., 2017; Tajsharghi et al., 2007). This variant has also been identified in 1/8716 African American chromosomes by the Genome Aggregation Database. This variant is present in ClinVar (Variation ID: 14121). Computational tools predict that this variant is deleterious; however, the accuracy of in silico algorithms is limited. These data were assessed using the ACMG/AMP variant interpretation guidelines. In summary, the significance of the p.Glu1883Lys variant is uncertain. Additional information is needed to resolve the significance of this variant. [ACMG evidence codes used: PS4_Supporting; PM2; PP3]

Fulgent Genetics
Classification: Uncertain significance for MYH7-related skeletal myopathy; Myosin storage myopathy; Hypertrophic cardiomyopathy 1; Myopathy, myosin storage, autosomal recessive; Congenital myopathy 4A, autosomal dominant; Dilated cardiomyopathy 1S. Last evaluated: 2021-10-15. Review status: criteria provided, single submitter. Criteria: ACMG Guidelines, 2015. Collection method: clinical testing. Allele origin: unknown. Not counted in ClinVar's aggregate classification.

Blueprint Genetics
Classification: Likely pathogenic for MYH7-related disorders. Last evaluated: 2021-05-11. Review status: criteria provided, single submitter. Criteria: ACMG Guidelines, 2015. Collection method: clinical testing. Allele origin: germline. Affected: yes. Observed: 1 variant allele. Not counted in ClinVar's aggregate classification.

GeneDx
Classification: Uncertain significance. Last evaluated: 2018-11-05. Review status: criteria provided, single submitter. Criteria: GeneDx Variant Classification (06012015). Collection method: clinical testing. Allele origin: germline. Affected: yes. Not counted in ClinVar's aggregate classification.
Comment: This variant is denoted Glu1883Lys (aka E1883K) at the protein level and c.5647 G>A at the cDNA level. This individual had two affected siblings who presented with myopathy and both died of cardiac failure prior to genetic testing. The Glu1883Lys mutation is located in the distal end of the filament forming rod region of the MYH7 protein, which is essential for filament assembly. Other mutations in the same domain (Arg1845Trp, Glu1886Lys) have been reported in association with skeletal myopathy and hypertrophic cardiomyopathy, respectively (Tajsharghi et al 2003; Armel et al. 2009), supporting the functional importance of this region of the protein. Furthermore, Glu1883Lys was not observed in up to 400 chromosomes of Caucasian and African American ethnic backgrounds tested at GeneDx, indicating it is not a common benign polymorphism in these populations. The Glu1883Lys variant also has been observed in other unrelated individuals tested for HCM at GeneDx. In summary, with the clinical and molecular information available at this time, we can not conclude unequivocally that the Glu1883Lys variant is a disease-causing mutation or rare benign variant. The variant is found in HCM panel(s).

Laboratory for Molecular Medicine, Mass General Brigham Personalized Medicine
Classification: Uncertain significance. Last evaluated: 2014-08-07. Review status: criteria provided, single submitter. Criteria: LMM Criteria. Collection method: clinical testing. Allele origin: germline. Observed: 1 variant allele. Not counted in ClinVar's aggregate classification.
Comment: However, there is some suspension that this variant does not be the cause of disease in this famil y. First, homozygous mutations in MYH7 would be expected to cause an early onset of disease, which was not observed in that individual. Second, that individual is from an unknown ethnicity and the MYH7 variant maybe a common benign variant in that population. This variant was absent from large populatio n studies, though it has been reported in dbSNP without frequency information (d bSNP rs121913652). Glutamic acid (Glu) at position 1883 is highly conserved in m ammals and across evolutionarily distant species and the change to lysine (Lys) was predicted to be pathogenic using a computational tool clinically validated b y our laboratory. This tool's pathogenic prediction is estimated to be correct 9 4% of the time (Jordan 2011). In summary, the clinical significance of the Glu18 83Lys variant is uncertain.

Stanford Center for Inherited Cardiovascular Disease, Stanford University
Classification: Uncertain significance. Last evaluated: 2013-06-13. Review status: criteria provided, single submitter. Criteria: ACMG Guidelines, 2015. Collection method: provider interpretation. Allele origin: germline. Not counted in ClinVar's aggregate classification.

OMIM
Classification: Pathogenic for CONGENITAL MYOPATHY 7B, MYOSIN STORAGE, AUTOSOMAL RECESSIVE. Last evaluated: 2013-01-01. Review status: no assertion criteria provided. Collection method: literature only. Allele origin: germline. Not counted in ClinVar's aggregate classification.

Literature cited by the submitters: PubMed 17372140 (cited by 4 submitters); PubMed 27532257 (cited by 3 submitters); PubMed 37652022 (cited by Labcorp Genetics (formerly Invitae), Labcorp); PubMed 28125727 (cited by Labcorp Genetics (formerly Invitae), Labcorp and Color Diagnostics, LLC DBA Color Health); PubMed 28973424 (cited by Labcorp Genetics (formerly Invitae), Labcorp and Color Diagnostics, LLC DBA Color Health); PubMed 19336582 (cited by 3 submitters); PubMed 27247418 (cited by Clinical Genomics Laboratory, Stanford Medicine); PubMed 22918376 (cited by OMIM).